The following is an entry in ClinVar:

ClinVar aggregate classification (germline): Uncertain significance (1 of 4 stars; one submission).

Conditions:
Cardiovascular phenotype. Identifiers: MedGen CN230736.

gnomAD v4.1: 3 of 1,613,992 alleles (0.00019%); highest among the groups gnomAD compares: Non-Finnish European, 0.00017%; no homozygotes.

Submission:

Ambry Genetics
Classification: Uncertain significance for Cardiovascular phenotype. Last evaluated: 2026-01-12. Review status: criteria provided, single submitter. Criteria: Ambry Variant Classification Scheme 2023. Collection method: clinical testing. Allele origin: germline.
Comment: The p.L276R variant (also known as c.827T>G), located in coding exon 4 of the JUP gene, results from a T to G substitution at nucleotide position 827. The leucine at codon 276 is replaced by arginine, an amino acid with dissimilar properties. This amino acid position is conserved. In addition, this alteration is predicted to be deleterious by in silico analysis. Based on the available evidence, the clinical significance of this variant remains unclear.

NM_002230.4(JUP):c.827T>G (p.Leu276Arg)

Gene: JUP (junction plakoglobin; minus strand). Cytogenetic location: 17q21.2.
Variant type: single nucleotide variant.
Coding change: c.827T>G on transcript NM_002230.4 (MANE Select); coding-DNA position 827, T replaced by G.
Protein change: p.Leu276Arg; replaces leucine 276 with arginine.
Molecular consequence: missense variant.
Genome position (GRCh38, 1-based): chr17:41,767,461, A>C on the plus strand (T>G on the coding strand, the complement: JUP is on the minus strand). VCF-style: chr17-41767461-A-C. GRCh37 (hg19) VCF-style: chr17-39923713-A-C.
Other names: c.827T>G, p.Leu276Arg (NM_001352773.2, NM_001352774.2, NM_001352775.2 and 3 more transcripts); short protein forms L276R.
Identifiers: ClinVar variation 4841608 (VCV004841608.1).